The following is an entry in ClinVar:

NM_014714.4(IFT140):c.1973C>T (p.Pro658Leu)

Gene: IFT140 (intraflagellar transport 140; minus strand). Cytogenetic location: 16p13.3.
Variant type: single nucleotide variant.
Coding change: c.1973C>T on transcript NM_014714.4 (MANE Select); coding-DNA position 1973, C replaced by T.
Protein change: p.Pro658Leu; replaces proline 658 with leucine.
Molecular consequence: missense variant.
Genome position (GRCh38, 1-based): chr16:1,564,091, G>A on the plus strand (C>T on the coding strand, the complement: IFT140 is on the minus strand). VCF-style: chr16-1564091-G-A. GRCh37 (hg19) VCF-style: chr16-1614092-G-A.
Other names: short protein forms P658L.
Identifiers: ClinVar variation 1918063 (VCV001918063.6), dbSNP rs2507259771, ClinGen allele CA394204947.

ClinVar aggregate classification (germline): Uncertain significance. Review status: criteria provided, multiple submitters, no conflicts (2 of 4 stars). 2 submissions from 2 submitters: Uncertain significance (2). Last evaluated 2023-10-01.

Conditions:
Retinal dystrophy. Also called: Inherited retinal dystrophy. Identifiers: Orphanet 71862, MedGen C0854723, MeSH D058499, MONDO:0019118, HP:0000556.
Saldino-Mainzer syndrome (SRTD9). Also called: Renal dysplasia, retinal pigmentary dystrophy, cerebellar ataxia and skeletal dysplasia; CONORENAL SYNDROME; short-rib thoracic dysplasia 9 with or without polydactyly; SHORT-RIB THORACIC DYSPLASIA 9 WITHOUT POLYDACTYLY. Identifiers: Orphanet 140969, MedGen C1849437, MONDO:0009964, OMIM 266920.

Submissions (2):

Dept Of Ophthalmology, Nagoya University
Classification: Uncertain significance for Retinal dystrophy. Last evaluated: 2023-10-01. Review status: criteria provided, single submitter. Criteria: Submitter's publication. Collection method: research. Allele origin: germline. Affected: yes.

Labcorp Genetics (formerly Invitae), Labcorp
Classification: Uncertain significance for Saldino-Mainzer syndrome. Last evaluated: 2022-03-28. Review status: criteria provided, single submitter. Criteria: Invitae Variant Classification Sherloc (09022015). Collection method: clinical testing. Allele origin: germline.
Comment: In summary, the available evidence is currently insufficient to determine the role of this variant in disease. Therefore, it has been classified as a Variant of Uncertain Significance. Algorithms developed to predict the effect of missense changes on protein structure and function are either unavailable or do not agree on the potential impact of this missense change (SIFT: "Deleterious"; PolyPhen-2: "Possibly Damaging"; Align-GVGD: "Class C0"). This missense change has been observed in individuals with retinitis pigmentosa (PMID: 30902645; Invitae). This variant is not present in population databases (gnomAD no frequency). This sequence change replaces proline, which is neutral and non-polar, with leucine, which is neutral and non-polar, at codon 658 of the IFT140 protein (p.Pro658Leu).

Literature cited by the submitters: PubMed 30902645 (cited by Labcorp Genetics (formerly Invitae), Labcorp).